The following is an entry in ClinVar:

ClinVar aggregate classification (germline): Uncertain significance (1 of 4 stars; one submission).

Submission:

Labcorp Genetics (formerly Invitae), Labcorp
Classification: Uncertain significance. Last evaluated: 2022-06-19. Review status: criteria provided, single submitter. Criteria: Invitae Variant Classification Sherloc (09022015). Collection method: clinical testing. Allele origin: germline.
Comment: Algorithms developed to predict the effect of missense changes on protein structure and function (SIFT, PolyPhen-2, Align-GVGD) all suggest that this variant is likely to be tolerated. This variant has not been reported in the literature in individuals affected with AP3B2-related conditions. This variant is not present in population databases (gnomAD no frequency). This sequence change replaces glycine, which is neutral and non-polar, with serine, which is neutral and polar, at codon 592 of the AP3B2 protein (p.Gly592Ser). In summary, the available evidence is currently insufficient to determine the role of this variant in disease. Therefore, it has been classified as a Variant of Uncertain Significance.

NM_001278512.2(AP3B2):c.1774G>A (p.Gly592Ser)

Genes: AP3B2 (adaptor related protein complex 3 subunit beta 2; minus strand), CPEB1-AS1 (CPEB1 antisense RNA 1; plus strand). Cytogenetic location: 15q25.2.
Variant type: single nucleotide variant.
Coding change: c.1774G>A on transcript NM_001278512.2 (MANE Select); coding-DNA position 1774, G replaced by A.
Protein change: p.Gly592Ser; replaces glycine 592 with serine.
Molecular consequence: missense variant.
Genome position (GRCh38, 1-based): chr15:82,666,825, C>T on the plus strand (G>A on the coding strand, the complement: AP3B2 is on the minus strand). VCF-style: chr15-82666825-C-T. GRCh37 (hg19) VCF-style: chr15-83335577-C-T.
Other names: c.1678G>A, p.Gly560Ser (NM_001278511.2); c.1774G>A, p.Gly592Ser (NM_004644.5); short protein forms G560S, G592S.
Identifiers: ClinVar variation 2008309 (VCV002008309.4), dbSNP rs2548700853, ClinGen allele CA393313933.
Genomic context (GRCh38, chr15:82,666,825, plus strand): 5'-AGACTGGAGCTGGTTTGGGTGCCAGGAAGAGCTTCTTGGCATGGCGGCTGAGGGCCCCAC[C>T]CTGCTCGGAAGGGACGATGAGCTGCCGGGTGAAGCGCGCCCGGTCGCGAATATCATAGTT-3'
Protein context (NP_001265441.1, residues 582-602): TRQLIVPSEQ[Gly592Ser]GALSRHAKKL